The following is an entry in ClinVar:

ClinVar aggregate classification (germline): Uncertain significance. Review status: criteria provided, multiple submitters, no conflicts (2 of 4 stars). 2 submissions from 2 submitters: Uncertain significance (2). Last evaluated 2025-01-27.

Conditions:
Inborn genetic diseases. Identifiers: MedGen C0950123, MeSH D030342.
Dyskeratosis congenita, autosomal recessive 5 (DKCB5). Identifiers: MedGen C3554656, MONDO:0014076, OMIM 615190.
Pulmonary fibrosis and/or bone marrow failure, Telomere-related, 3. Also called: PULMONARY FIBROSIS AND/OR BONE MARROW FAILURE SYNDROME, TELOMERE-RELATED, 3. Identifiers: Orphanet 2032, MedGen C4225346, MONDO:0014613, OMIM 616373.

Allele frequency attached by ClinVar (database versions not stated): TOPMed below 0.00001; gnomAD 0.00001.

Submissions (2):

Ambry Genetics
Classification: Uncertain significance for Inborn genetic diseases. Last evaluated: 2025-01-27. Review status: criteria provided, single submitter. Criteria: Ambry Variant Classification Scheme 2023. Collection method: clinical testing. Allele origin: germline.
Comment: The p.S882N variant (also known as c.2645G>A), located in coding exon 27 of the RTEL1 gene, results from a G to A substitution at nucleotide position 2645. The serine at codon 882 is replaced by asparagine, an amino acid with highly similar properties. This amino acid position is conserved. In addition, this alteration is predicted to be tolerated by in silico analysis. Based on the available evidence, the clinical significance of this variant remains unclear.

Labcorp Genetics (formerly Invitae), Labcorp
Classification: Uncertain significance for Dyskeratosis congenita, autosomal recessive 5; Pulmonary fibrosis and/or bone marrow failure, Telomere-related, 3. Last evaluated: 2022-08-08. Review status: criteria provided, single submitter. Criteria: Invitae Variant Classification Sherloc (09022015). Collection method: clinical testing. Allele origin: germline.
Comment: This variant has not been reported in the literature in individuals affected with RTEL1-related conditions. In summary, the available evidence is currently insufficient to determine the role of this variant in disease. Therefore, it has been classified as a Variant of Uncertain Significance. Algorithms developed to predict the effect of missense changes on protein structure and function output the following: SIFT: "Tolerated"; PolyPhen-2: "Benign"; Align-GVGD: "Class C0". The asparagine amino acid residue is found in multiple mammalian species, which suggests that this missense change does not adversely affect protein function. This variant is not present in population databases (gnomAD no frequency). This sequence change replaces serine, which is neutral and polar, with asparagine, which is neutral and polar, at codon 882 of the RTEL1 protein (p.Ser882Asn).

NM_001283009.2(RTEL1):c.2645G>A (p.Ser882Asn)

Genes: RTEL1 (regulator of telomere elongation helicase 1; plus strand), RTEL1-TNFRSF6B (RTEL1-TNFRSF6B readthrough (NMD candidate); plus strand). Cytogenetic location: 20q13.33.
Variant type: single nucleotide variant.
Coding change: c.2645G>A on transcript NM_001283009.2 (MANE Select); coding-DNA position 2645, G replaced by A.
Protein change: p.Ser882Asn; replaces serine 882 with asparagine.
Molecular consequence: missense variant. On other transcripts: non-coding transcript variant (1).
Genome position (GRCh38, 1-based): chr20:63,691,830, G>A. VCF-style: chr20-63691830-G-A. GRCh37 (hg19) VCF-style: chr20-62323183-G-A.
Other names: c.1976G>A, p.Ser659Asn (NM_001283010.1); c.2645G>A, p.Ser882Asn (NM_016434.4); c.2717G>A, p.Ser906Asn (NM_032957.5); short protein forms S906N, S882N, S659N.
Identifiers: ClinVar variation 1897305 (VCV001897305.6), dbSNP rs1377582403, ClinGen allele CA409682508.
Genomic context (GRCh38, chr20:63,691,830, plus strand): 5'-TGTCTGAGAAGAGGCCGGCAGAAGAACCGCGAGGAGGGAGGAAGAAGATCCGGCTGGTCA[G>A]CCACCCGGTGCGTGAGCTGTCCCTGCACCTGTGCCGACCACCATAGACACGCATGGGAAC-3'
Protein context (NP_001269938.1, residues 872-892): RGGRKKIRLV[Ser882Asn]HPEEPVAGAQ